The following is an entry in ClinVar:

ClinVar aggregate classification (germline): Uncertain significance (1 of 4 stars; one submission).

Submission:

Women's Health and Genetics/Laboratory Corporation of America, LabCorp
Classification: Uncertain significance. Last evaluated: 2025-06-05. Review status: criteria provided, single submitter. Criteria: LabCorp Variant Classification Summary - May 2015. Collection method: clinical testing. Allele origin: germline.
Comment: Variant summary: DYNC1H1 c.1240_1243dupGTAG (p.Ala415GlyfsX5) results in a premature termination codon, predicted to cause a truncation of the encoded protein or absence of the protein due to nonsense mediated decay, however current evidence is not sufficient to establish loss of function as a mechanism for disease. The variant was absent in 251372 control chromosomes. The available data on variant occurrences in the general population are insufficient to allow any conclusion about variant significance. To our knowledge, no occurrence of c.1240_1243dupGTAG in individuals affected with Charcot-Marie-Tooth disease axonal type 2O and no experimental evidence demonstrating its impact on protein function have been reported. No submitters have cited clinical-significance assessments for this variant to ClinVar. Based on the evidence outlined above, the variant was classified as uncertain significance.

NM_001376.5(DYNC1H1):c.1240_1243dup (p.Ala415fs)

Gene: DYNC1H1 (dynein cytoplasmic 1 heavy chain 1; plus strand). Cytogenetic location: 14q32.31.
Variant type: Duplication.
Coding change: c.1240_1243dup on transcript NM_001376.5 (MANE Select); coding-DNA positions 1240 to 1243, 4 bases duplicated (GTAG; older notation c.1240_1243dupGTAG).
Protein change: p.Ala415fs; shifts the reading frame from alanine 415.
Molecular consequence: frameshift variant.
Genome position (GRCh38, 1-based): chr14:101,983,388-101,983,391, GTAG duplicated; duplicating any 4 consecutive bases within chr14:101,983,387-101,983,391 gives the same sequence; the c. name uses the placement nearest the transcript's 3' end. VCF-style (leftmost placement, unchanged base first): chr14-101983386-T-TGGTA. GRCh37 (hg19) VCF-style: chr14-102449723-T-TGGTA.
Other names: c.1240_1243dupGTAG (NM_001376.5); short protein forms A415fs.
Identifiers: ClinVar variation 3907368 (VCV003907368.1).